The following is an entry in ClinVar:

ClinVar aggregate classification (germline): Likely pathogenic (1 of 4 stars; one submission).

Conditions:
Neuronal ceroid lipofuscinosis 2. Also called: JANSKY-BIELSCHOWSKY DISEASE NEURONAL CEROID LIPOFUSCINOSIS, LATE INFANTILE; TPP1-Related Neuronal Ceroid-Lipofuscinosis. Identifiers: Orphanet 168491, Orphanet 228349, Orphanet 79264, MedGen C1876161, MONDO:0008769, OMIM 204500.

Submission:

Natera, Inc.
Classification: Likely pathogenic for Neuronal ceroid lipofuscinosis 2. Last evaluated: 2025-08-20. Review status: criteria provided, single submitter. Criteria: Natera Variant Classification Schema (03/2026). Collection method: clinical testing. Allele origin: germline.
Comment: The c.507del variant in TPP1 is a frameshift variant predicted to shift the reading frame beginning at codon 169 and leads to a stop codon 14 codons downstream. This variant is expected to result in nonsense mediated decay, truncation, or a dysfunctional protein product. This variant is rare in the general population with a frequency below the threshold expected for the associated phenotype(s). Given the available evidence, this variant is classified as Likely Pathogenic.

NM_000391.4(TPP1):c.507del (p.Phe169fs)

Gene: TPP1 (tripeptidyl peptidase 1; minus strand). Cytogenetic location: 11p15.4.
Variant type: Deletion.
Coding change: c.507del on transcript NM_000391.4 (MANE Select); coding-DNA position 507, one base deleted (T; older notation c.507delT).
Protein change: p.Phe169fs; shifts the reading frame from phenylalanine 169.
Molecular consequence: frameshift variant.
Genome position (GRCh38, 1-based): chr11:6,617,302, A deleted on the plus strand (T on the coding strand, the reverse complement: TPP1 is on the minus strand); the first of 3 consecutive A bases (chr11:6,617,302-6,617,304); deleting any one gives the same sequence. VCF-style (leftmost placement, unchanged base first): chr11-6617301-CA-C. GRCh37 (hg19) VCF-style: chr11-6638532-CA-C.
Other names: short protein forms F169fs.
Identifiers: ClinVar variation 4818299 (VCV004818299.1).
Genomic context (GRCh38, chr11:6,617,301, plus strand): 5'-TAAACTTCCTCAGCCCCTGGATCTGTGTGCCCCAACCCCCATTCACCCCATAGGTGTTAC[CA>C]AAGTCCACATGGGGGGCCAAGGCCTGTGGAAGCTGGTAGGGATGTGGGGACCTTACAACA-3'